The following is an entry in ClinVar:

NM_033380.3(COL4A5):c.2423del (p.Gly808fs)

Gene: COL4A5 (collagen type IV alpha 5 chain; plus strand). Cytogenetic location: Xq22.3.
Variant type: Deletion.
Coding change: c.2423del on transcript NM_033380.3 (MANE Select); coding-DNA position 2423, one base deleted (G; older notation c.2423delG).
Protein change: p.Gly808fs; shifts the reading frame from glycine 808.
Molecular consequence: frameshift variant.
Genome position (GRCh38, 1-based): chrX:108,614,938, G deleted; the last of 2 consecutive G bases (chrX:108,614,937-108,614,938); deleting either gives the same sequence. VCF-style (leftmost placement, unchanged base first): chrX-108614936-TG-T. GRCh37 (hg19) VCF-style: chrX-107858166-TG-T.
Other names: p.(Gly808Aspfs*11); c.2423del, p.Gly808fs (NM_000495.5); short protein forms G808fs.
Identifiers: ClinVar variation 5042001 (VCV005042001.1), dbSNP rs1569496997.
Genomic context (GRCh38, chrX:108,614,936, plus strand): 5'-GCTTTTAATATTTAAACTGTATTTATTTCTTAAAGGTGATGTTGGACCAAATGGACAACC[TG>T]GACCAATGGGACCTCCTGGGCTGCCAGGAATAGGTGTTCAGGGACCACCAGGACCACCAG-3'

ClinVar aggregate classification (germline): Pathogenic (1 of 4 stars; one submission).

Conditions:
X-linked Alport syndrome (ATS1). Also called: NEPHROPATHY AND DEAFNESS, X-LINKED; COL4A5-Related Nephropathy. Identifiers: Orphanet 63, Orphanet 88917, MedGen C4746986, MONDO:0010520, OMIM 301050.

Submission:

Centre de Génétique Humaine, Institut de Pathologie Et de Génétique
Classification: Pathogenic for X-linked Alport syndrome. Last evaluated: 2026-10-08. Review status: criteria provided, single submitter. Criteria: ACMG Guidelines, 2015. Collection method: clinical testing. Allele origin: germline. Inheritance: X-linked dominant inheritance. Affected: yes. Observed: 1 variant allele, 1 heterozygote. Segregation with disease not observed.
Comment: This 1bp deletion is a frameshift variant predicted to result in protein truncation or nonsense mediated decay in a gene for which loss-of-function is a known mechanism of disease (PVS1). This variant is rare: absent in gnomAD v4.1.0 database (PM2). Described as disease causing (PP5)

Literature cited by the submitters: PubMed 31328266.